The following is an entry in ClinVar:

NM_001378615.1(CC2D2A):c.2669T>G (p.Leu890Arg)

Genes: CC2D2A (coiled-coil and C2 domain containing 2A; plus strand), FBXL5 (F-box and leucine rich repeat protein 5; minus strand). Cytogenetic location: 4p15.32.
Variant type: single nucleotide variant.
Coding change: c.2669T>G on transcript NM_001378615.1 (MANE Select); coding-DNA position 2669, T replaced by G.
Protein change: p.Leu890Arg; replaces leucine 890 with arginine.
Molecular consequence: missense variant.
Genome position (GRCh38, 1-based): chr4:15,557,347, T>G. VCF-style: chr4-15557347-T-G. GRCh37 (hg19) VCF-style: chr4-15558970-T-G.
Other names: c.2669T>G, p.Leu890Arg (NM_001080522.2); c.2522T>G, p.Leu841Arg (NM_001378617.1); short protein forms L841R, L890R.
Identifiers: ClinVar variation 960441 (VCV000960441.10), dbSNP rs1719341621, ClinGen allele CA356412192.

ClinVar aggregate classification (germline): Uncertain significance (1 of 4 stars; one submission).

Conditions:
Meckel-Gruber syndrome. Also called: Dysencephalia splachnocystica; DYSENCEPHALIA SPLANCHNOCYSTICA; GRUBER SYNDROME. Identifiers: Orphanet 564, MedGen C0265215, MONDO:0018921.
Joubert syndrome. Also called: Familial aplasia of the vermis; JOUBERT-BOLTSHAUSER SYNDROME. Identifiers: Orphanet 475, MedGen C5979921, MONDO:0018772.

Submission:

Labcorp Genetics (formerly Invitae), Labcorp
Classification: Uncertain significance for Joubert syndrome; Meckel-Gruber syndrome. Last evaluated: 2022-10-28. Review status: criteria provided, single submitter. Criteria: Invitae Variant Classification Sherloc (09022015). Collection method: clinical testing. Allele origin: germline.
Comment: This sequence change replaces leucine, which is neutral and non-polar, with arginine, which is basic and polar, at codon 890 of the CC2D2A protein (p.Leu890Arg). This variant is not present in population databases (gnomAD no frequency). This variant has not been reported in the literature in individuals affected with CC2D2A-related conditions. ClinVar contains an entry for this variant (Variation ID: 960441). Advanced modeling of protein sequence and biophysical properties (such as structural, functional, and spatial information, amino acid conservation, physicochemical variation, residue mobility, and thermodynamic stability) has been performed at Invitae for this missense variant, however the output from this modeling did not meet the statistical confidence thresholds required to predict the impact of this variant on CC2D2A protein function. In summary, the available evidence is currently insufficient to determine the role of this variant in disease. Therefore, it has been classified as a Variant of Uncertain Significance.